The following is an entry in ClinVar:

NM_014629.4(ARHGEF10):c.3080-10_3080-9del

Gene: ARHGEF10 (Rho guanine nucleotide exchange factor 10; plus strand). Cytogenetic location: 8p23.3.
Variant type: Deletion.
Coding change: c.3080-10_3080-9del on transcript NM_014629.4 (MANE Select); 10 bases into the intron before coding-DNA position 3080 through 9 bases into the intron before coding-DNA position 3080, 2 bases deleted (TT; older notation c.3080-10_3080-9delTT).
Molecular consequence: intron variant.
Genome position (GRCh38, 1-based): chr8:1,933,790-1,933,791, TT deleted; deleting any 2 consecutive bases within chr8:1,933,788-1,933,791 gives the same sequence; the c. name uses the placement nearest the transcript's 3' end. VCF-style (leftmost placement, unchanged base first): chr8-1933787-ATT-A. GRCh37 (hg19) VCF-style: chr8-1881953-ATT-A.
Other names: c.2963-10_2963-9del (NM_001438092.1, NM_001438093.1); c.3083-10_3083-9del (NM_001438091.1); c.2966-10_2966-9del (NM_001308152.2, NM_001438094.1); c.3080-10_3080-9del (NM_001308153.3).
Identifiers: ClinVar variation 2095773 (VCV002095773.4), dbSNP rs2538043251, ClinGen allele CA2580077989.

ClinVar aggregate classification (germline): Uncertain significance (1 of 4 stars; one submission).

Submission:

Labcorp Genetics (formerly Invitae), Labcorp
Classification: Uncertain significance. Last evaluated: 2022-03-16. Review status: criteria provided, single submitter. Criteria: Invitae Variant Classification Sherloc (09022015). Collection method: clinical testing. Allele origin: germline.
Comment: In summary, the available evidence is currently insufficient to determine the role of this variant in disease. Therefore, it has been classified as a Variant of Uncertain Significance. Algorithms developed to predict the effect of sequence changes on RNA splicing suggest that this variant may disrupt the consensus splice site. This variant has not been reported in the literature in individuals affected with ARHGEF10-related conditions. This variant is not present in population databases (gnomAD no frequency). This sequence change falls in intron 25 of the ARHGEF10 gene. It does not directly change the encoded amino acid sequence of the ARHGEF10 protein.